The following is an entry in ClinVar:

ClinVar aggregate classification (germline): Uncertain significance (1 of 4 stars; one submission).

Submission:

Labcorp Genetics (formerly Invitae), Labcorp
Classification: Uncertain significance. Last evaluated: 2023-08-04. Review status: criteria provided, single submitter. Criteria: Invitae Variant Classification Sherloc (09022015). Collection method: clinical testing. Allele origin: germline.
Comment: This sequence change replaces methionine, which is neutral and non-polar, with valine, which is neutral and non-polar, at codon 344 of the RBPJ protein (p.Met344Val). This variant is not present in population databases (gnomAD no frequency). This variant has not been reported in the literature in individuals affected with RBPJ-related conditions. ClinVar contains an entry for this variant (Variation ID: 2054108). Advanced modeling of protein sequence and biophysical properties (such as structural, functional, and spatial information, amino acid conservation, physicochemical variation, residue mobility, and thermodynamic stability) performed at Invitae indicates that this missense variant is not expected to disrupt RBPJ protein function. In summary, the available evidence is currently insufficient to determine the role of this variant in disease. Therefore, it has been classified as a Variant of Uncertain Significance.

NM_015874.6(RBPJ):c.991A>G (p.Met331Val)

Gene: RBPJ (recombination signal binding protein for immunoglobulin kappa J region; plus strand). Cytogenetic location: 4p15.2.
Variant type: single nucleotide variant.
Coding change: c.991A>G on transcript NM_015874.6 (MANE Select); coding-DNA position 991, A replaced by G.
Protein change: p.Met331Val; replaces methionine 331 with valine.
Molecular consequence: missense variant. On other transcripts: intron variant (2).
Genome position (GRCh38, 1-based): chr4:26,430,000, A>G. VCF-style: chr4-26430000-A-G. GRCh37 (hg19) VCF-style: chr4-26431622-A-G.
Other names: c.925A>G, p.Met309Val (NM_001363577.2, NM_203283.5); c.1030A>G, p.Met344Val (NM_001374400.1, NM_005349.4); c.988A>G, p.Met330Val (NM_001374401.1, NM_001374402.1, NM_001374403.1 and 3 more transcripts); c.928-419A>G (NM_001379408.1); c.883-419A>G (NM_001379409.1); short protein forms M330V, M344V, M309V, M331V.
Identifiers: ClinVar variation 2054108 (VCV002054108.4), dbSNP rs2475366726, ClinGen allele CA356671686.